The following is an entry in ClinVar:

ClinVar aggregate classification (germline): Pathogenic (1 of 4 stars; one submission).

Conditions:
Bardet-Biedl syndrome (BBS). Identifiers: Orphanet 110, MedGen C0752166, MONDO:0015229.

Submission:

Labcorp Genetics (formerly Invitae), Labcorp
Classification: Pathogenic for Bardet-Biedl syndrome. Last evaluated: 2026-01-09. Review status: criteria provided, single submitter. Criteria: Invitae Variant Classification Sherloc (09022015). Collection method: clinical testing. Allele origin: germline.
Comment: This sequence change creates a premature translational stop signal (p.Val444Aspfs*2) in the TRIM32 gene. While this is not anticipated to result in nonsense mediated decay, it is expected to disrupt the last 210 amino acid(s) of the TRIM32 protein. This variant is not present in population databases (gnomAD no frequency). This variant has not been reported in the literature in individuals affected with TRIM32-related conditions. This variant disrupts a region of the TRIM32 protein in which other variant(s) (p.Val591Met) have been determined to be pathogenic (PMID: 30823891). This suggests that this is a clinically significant region of the protein, and that variants that disrupt it are likely to be disease-causing. For these reasons, this variant has been classified as Pathogenic.

Literature cited by the submitters: PubMed 30823891.

NM_012210.4(TRIM32):c.1331_1332del (p.Val444fs)

Genes: ASTN2 (astrotactin 2; minus strand), TRIM32 (tripartite motif containing 32; plus strand). Cytogenetic location: 9q33.1.
Variant type: Microsatellite.
Coding change: c.1331_1332del on transcript NM_012210.4 (MANE Select); coding-DNA positions 1331 to 1332, 2 bases deleted (TG; older notation c.1331_1332delTG).
Protein change: p.Val444fs; shifts the reading frame from valine 444.
Molecular consequence: frameshift variant. On other transcripts: intron variant (3).
Genome position (GRCh38, 1-based): chr9:116,699,073-116,699,074, TG deleted; deleting any 2 consecutive bases within chr9:116,699,070-116,699,074 gives the same sequence; the c. name uses the placement nearest the transcript's 3' end. VCF-style (leftmost placement, unchanged base first): chr9-116699069-GGT-G. GRCh37 (hg19) VCF-style: chr9-119461348-GGT-G.
Other names: c.2806+26700_2806+26701del (NM_001365068.1); c.1331_1332del, p.Val444fs (NM_001099679.2, NM_001379048.1, NM_001379049.1 and 1 more transcripts); c.2653+26700_2653+26701del (NM_014010.5); c.2794+26700_2794+26701del (NM_001365069.1); short protein forms V444fs.
Identifiers: ClinVar variation 3660742 (VCV003660742.2).